The following is an entry in ClinVar:

NM_000170.3(GLDC):c.2730G>A (p.Ser910=)

Gene: GLDC (glycine decarboxylase; minus strand). Cytogenetic location: 9p24.1.
Variant type: single nucleotide variant.
Coding change: c.2730G>A on transcript NM_000170.3 (MANE Select); coding-DNA position 2730, G replaced by A.
Protein change: p.Ser910=; no amino-acid change (serine 910 retained).
Molecular consequence: synonymous variant.
Genome position (GRCh38, 1-based): chr9:6,536,172, C>T on the plus strand (G>A on the coding strand, the complement: GLDC is on the minus strand). VCF-style: chr9-6536172-C-T. GRCh37 (hg19) VCF-style: chr9-6536172-C-T.
Identifiers: ClinVar variation 367176 (VCV000367176.47), dbSNP rs144937031, ClinGen allele CA4980086.

ClinVar aggregate classification (germline): Conflicting classifications of pathogenicity. Review status: criteria provided, conflicting classifications (1 of 4 stars). 9 submissions from 9 submitters: Uncertain significance (1); Benign (2); Likely benign (5). 1 of the submissions does not count toward it. Last evaluated 2026-02-01.

Conditions:
Glycine encephalopathy. Also called: Nonketotic hyperglycinemia; Non-ketotic hyperglycinemia. Identifiers: Orphanet 407, MedGen C0751748, MONDO:0011612, HP:0008288.

Allele frequency attached by ClinVar (database versions not stated): TOPMed 0.00057; 1000 Genomes Project 0.00060; gnomAD 0.00060 and 0.00061; 1000 Genomes Project 30x 0.00062; gnomAD exomes 0.00063; ExAC 0.00068; ESP Exome Variant Server 0.00085.
gnomAD v4.1: 1,484 of 1,614,036 alleles (0.092%); highest among the groups gnomAD compares: Non-Finnish European, 0.12%; 2 homozygotes.

Submissions (9):

Labcorp Genetics (formerly Invitae), Labcorp
Classification: Benign for Glycine encephalopathy. Last evaluated: 2026-02-01. Review status: criteria provided, single submitter. Criteria: Invitae Variant Classification Sherloc (09022015). Collection method: clinical testing. Allele origin: germline.

CeGaT Center for Human Genetics Tuebingen
Classification: Likely benign. Last evaluated: 2025-06-01. Review status: criteria provided, single submitter. Criteria: CeGaT Center For Human Genetics Tuebingen Variant Classification Criteria Version 2. Collection method: clinical testing. Allele origin: germline. Affected: yes. Observed: 5 variant alleles.
Comment: GLDC: BP4, BP7

Laboratory of Genetics, Children's Clinical University Hospital Latvia
Classification: Benign. Last evaluated: 2025-02-16. Review status: criteria provided, single submitter. Criteria: ACMG Guidelines, 2015. Collection method: clinical testing. Allele origin: germline. Affected: yes.

Blueprint Genetics
Classification: Likely benign. Last evaluated: 2024-11-25. Review status: criteria provided, single submitter. Criteria: ACMG Guidelines, 2015. Collection method: clinical testing. Allele origin: germline.

Women's Health and Genetics/Laboratory Corporation of America, LabCorp
Classification: Likely benign. Last evaluated: 2021-10-30. Review status: criteria provided, single submitter. Criteria: LabCorp Variant Classification Summary - May 2015. Collection method: clinical testing. Allele origin: germline.

GeneDx
Classification: Likely benign. Last evaluated: 2021-03-31. Review status: criteria provided, single submitter. Criteria: GeneDx Variant Classification Process June 2021. Collection method: clinical testing. Allele origin: germline. Affected: yes.

Athena Diagnostics
Classification: Likely benign. Last evaluated: 2018-06-18. Review status: criteria provided, single submitter. Criteria: Athena Diagnostics Criteria. Collection method: clinical testing. Allele origin: germline.

Illumina Laboratory Services, Illumina
Classification: Uncertain significance for Glycine encephalopathy 1. Last evaluated: 2018-01-13. Review status: criteria provided, single submitter. Criteria: ICSL Variant Classification Criteria 13 December 2019. Collection method: clinical testing. Allele origin: germline.

Natera, Inc.
Classification: Uncertain significance for Non-ketotic hyperglycinemia. Last evaluated: 2019-08-29. Review status: no assertion criteria provided. Collection method: clinical testing. Allele origin: germline. Not counted in ClinVar's aggregate classification.